The following is an entry in ClinVar:

ClinVar aggregate classification (germline): Uncertain significance (1 of 4 stars; one submission).

Submission:

Labcorp Genetics (formerly Invitae), Labcorp
Classification: Uncertain significance. Last evaluated: 2025-02-15. Review status: criteria provided, single submitter. Criteria: Invitae Variant Classification Sherloc (09022015). Collection method: clinical testing. Allele origin: germline.
Comment: This sequence change replaces arginine, which is basic and polar, with cysteine, which is neutral and slightly polar, at codon 881 of the C3 protein (p.Arg881Cys). This variant is not present in population databases (gnomAD no frequency). This variant has not been reported in the literature in individuals affected with C3-related conditions. Invitae Evidence Modeling of protein sequence and biophysical properties (such as structural, functional, and spatial information, amino acid conservation, physicochemical variation, residue mobility, and thermodynamic stability) indicates that this missense variant is expected to disrupt C3 protein function with a positive predictive value of 80%. In summary, the available evidence is currently insufficient to determine the role of this variant in disease. Therefore, it has been classified as a Variant of Uncertain Significance.

NM_000064.4(C3):c.2641C>T (p.Arg881Cys)

Gene: C3 (complement C3; minus strand). Cytogenetic location: 19p13.3.
Variant type: single nucleotide variant.
Coding change: c.2641C>T on transcript NM_000064.4 (MANE Select); coding-DNA position 2641, C replaced by T.
Protein change: p.Arg881Cys; replaces arginine 881 with cysteine.
Molecular consequence: missense variant.
Genome position (GRCh38, 1-based): chr19:6,697,499, G>A on the plus strand (C>T on the coding strand, the complement: C3 is on the minus strand). VCF-style: chr19-6697499-G-A. GRCh37 (hg19) VCF-style: chr19-6697510-G-A.
Other names: short protein forms R881C.
Identifiers: ClinVar variation 3683399 (VCV003683399.2).